The following is an entry in ClinVar:

NM_001144950.2(SSC5D):c.4429A>G (p.Thr1477Ala)

Gene: SSC5D (scavenger receptor cysteine rich family member with 5 domains; plus strand). Cytogenetic location: 19q13.42.
Variant type: single nucleotide variant.
Coding change: c.4429A>G on transcript NM_001144950.2 (MANE Select); coding-DNA position 4429, A replaced by G.
Protein change: p.Thr1477Ala; replaces threonine 1477 with alanine.
Molecular consequence: missense variant.
Genome position (GRCh38, 1-based): chr19:55,518,705, A>G. VCF-style: chr19-55518705-A-G. GRCh37 (hg19) VCF-style: chr19-56030072-A-G.
Other names: c.4429A>G (NM_001144950.1); short protein forms T1477A.
Identifiers: ClinVar variation 2650534 (VCV002650534.25), dbSNP rs768510291, ClinGen allele CA9676830.

ClinVar aggregate classification (germline): Conflicting classifications of pathogenicity. Review status: criteria provided, conflicting classifications (1 of 4 stars). 2 submissions from 2 submitters: Uncertain significance (1); Likely benign (1). Last evaluated 2025-08-30.

Allele frequency attached by ClinVar (database versions not stated): gnomAD 0.00115; ExAC 0.00216; 1000 Genomes Project 30x 0.00016.

Submissions (2):

Ambry Genetics
Classification: Uncertain significance. Last evaluated: 2025-08-30. Review status: criteria provided, single submitter. Criteria: Ambry Variant Classification Scheme 2023. Collection method: clinical testing. Allele origin: germline.

CeGaT Center for Human Genetics Tuebingen
Classification: Likely benign. Last evaluated: 2023-02-01. Review status: criteria provided, single submitter. Criteria: CeGaT Center For Human Genetics Tuebingen Variant Classification Criteria Version 2. Collection method: clinical testing. Allele origin: germline. Affected: yes. Observed: 1 variant allele.
Comment: SSC5D: BS2